The following is an entry in ClinVar:

ClinVar aggregate classification (germline): Uncertain significance (1 of 4 stars; one submission).

Conditions:
Cardiovascular phenotype. Identifiers: MedGen CN230736.

Submission:

Ambry Genetics
Classification: Uncertain significance for Cardiovascular phenotype. Last evaluated: 2023-04-01. Review status: criteria provided, single submitter. Criteria: Ambry Variant Classification Scheme 2023. Collection method: clinical testing. Allele origin: germline.
Comment: The p.V270A variant (also known as c.809T>C), located in coding exon 1 of the FOXE3 gene, results from a T to C substitution at nucleotide position 809. The valine at codon 270 is replaced by alanine, an amino acid with similar properties. This amino acid position is conserved. In addition, this alteration is predicted to be tolerated by in silico analysis. Since supporting evidence is limited at this time, the clinical significance of this alteration remains unclear.

NM_012186.3(FOXE3):c.809T>C (p.Val270Ala)

Genes: FOXE3 (forkhead box E3; plus strand), LINC01389 (long intergenic non-protein coding RNA 1389; minus strand). Cytogenetic location: 1p33.
Variant type: single nucleotide variant.
Coding change: c.809T>C on transcript NM_012186.3 (MANE Select); coding-DNA position 809, T replaced by C.
Protein change: p.Val270Ala; replaces valine 270 with alanine.
Molecular consequence: missense variant.
Genome position (GRCh38, 1-based): chr1:47,417,124, T>C. VCF-style: chr1-47417124-T-C. GRCh37 (hg19) VCF-style: chr1-47882796-T-C.
Other names: short protein forms V270A.
Identifiers: ClinVar variation 2563296 (VCV002563296.2), dbSNP rs2124044494, ClinGen allele CA340250768.